The following is an entry in ClinVar:

ClinVar aggregate classification (germline): Uncertain significance (1 of 4 stars; one submission).

Submission:

Women's Health and Genetics/Laboratory Corporation of America, LabCorp
Classification: Uncertain significance. Last evaluated: 2024-08-14. Review status: criteria provided, single submitter. Criteria: LabCorp Variant Classification Summary - May 2015. Collection method: clinical testing. Allele origin: germline.
Comment: Variant summary: ACADVL c.1329G>C (p.Met443Ile) results in a conservative amino acid change located in the Acyl-CoA dehydrogenase/oxidase, C-terminal domain (IPR009075) of the encoded protein sequence. Three of five in-silico tools predict a damaging effect of the variant on protein function. The variant was absent in 251352 control chromosomes. The available data on variant occurrences in the general population are insufficient to allow any conclusion about variant significance. To our knowledge, no occurrence of c.1329G>C in individuals affected with Very Long Chain Acyl-CoA Dehydrogenase Deficiency and no experimental evidence demonstrating its impact on protein function have been reported. No submitters have cited clinical-significance assessments for this variant to ClinVar. Based on the evidence outlined above, the variant was classified as uncertain significance.

NM_000018.4(ACADVL):c.1329G>C (p.Met443Ile)

Gene: ACADVL (acyl-CoA dehydrogenase very long chain; plus strand). Cytogenetic location: 17p13.1.
Variant type: single nucleotide variant.
Coding change: c.1329G>C on transcript NM_000018.4 (MANE Select); coding-DNA position 1329, G replaced by C.
Protein change: p.Met443Ile; replaces methionine 443 with isoleucine.
Molecular consequence: missense variant.
Genome position (GRCh38, 1-based): chr17:7,223,872, G>C. VCF-style: chr17-7223872-G-C. GRCh37 (hg19) VCF-style: chr17-7127191-G-C.
Other names: c.1263G>C, p.Met421Ile (NM_001033859.3); c.1398G>C, p.Met466Ile (NM_001270447.2); c.1101G>C, p.Met367Ile (NM_001270448.2); short protein forms M367I, M421I, M443I, M466I.
Identifiers: ClinVar variation 3366801 (VCV003366801.1).